The following is an entry in ClinVar:

ClinVar aggregate classification (germline): Conflicting classifications of pathogenicity. Review status: criteria provided, conflicting classifications (1 of 4 stars). 2 submissions from 2 submitters: Uncertain significance (1); Likely benign (1). Last evaluated 2024-05-15.

Conditions:
Long QT syndrome (LQTS). Identifiers: MedGen C0023976, MeSH D008133, MONDO:0002442. Disease mechanism: loss of function. Inheritance: Various modes of inheritance.

gnomAD v4.1: 8 of 1,613,798 alleles (0.0005%); highest among the groups gnomAD compares: Admixed American, 0.005%; no homozygotes.

Submissions (2):

Labcorp Genetics (formerly Invitae), Labcorp
Classification: Uncertain significance for Long QT syndrome. Last evaluated: 2024-05-15. Review status: criteria provided, single submitter. Criteria: Invitae Variant Classification Sherloc (09022015). Collection method: clinical testing. Allele origin: germline.
Comment: This sequence change falls in intron 5 of the AKAP9 gene. It does not directly change the encoded amino acid sequence of the AKAP9 protein. It affects a nucleotide within the consensus splice site. This variant is not present in population databases (gnomAD no frequency). This variant has not been reported in the literature in individuals affected with AKAP9-related conditions. ClinVar contains an entry for this variant (Variation ID: 970739). Variants that disrupt the consensus splice site are a relatively common cause of aberrant splicing (PMID: 17576681, 9536098). Algorithms developed to predict the effect of sequence changes on RNA splicing suggest that this variant is not likely to affect RNA splicing. In summary, the available evidence is currently insufficient to determine the role of this variant in disease. Therefore, it has been classified as a Variant of Uncertain Significance.

GeneDx
Classification: Likely benign. Last evaluated: 2020-03-31. Review status: criteria provided, single submitter. Criteria: GeneDx Variant Classification Process June 2021. Collection method: clinical testing. Allele origin: germline. Affected: yes.

Literature cited by the submitters: PubMed 17576681 (cited by Labcorp Genetics (formerly Invitae), Labcorp); PubMed 9536098 (cited by Labcorp Genetics (formerly Invitae), Labcorp).

NM_005751.5(AKAP9):c.576+5G>T

Gene: AKAP9 (A-kinase anchoring protein 9; plus strand). Cytogenetic location: 7q21.2.
Variant type: single nucleotide variant.
Coding change: c.576+5G>T on transcript NM_005751.5 (MANE Select); 5 bases into the intron after coding-DNA position 576, G replaced by T.
Molecular consequence: intron variant.
Genome position (GRCh38, 1-based): chr7:91,993,060, G>T. VCF-style: chr7-91993060-G-T. GRCh37 (hg19) VCF-style: chr7-91622374-G-T.
Other names: c.576+5G>T (NM_147185.3).
Identifiers: ClinVar variation 970739 (VCV000970739.11), dbSNP rs376631476, ClinGen allele CA1104461531.